The following is an entry in ClinVar:

NM_001195605.2(ZNF865):c.2395C>T (p.Gln799Ter)

Gene: ZNF865 (zinc finger protein 865; plus strand). Cytogenetic location: 19q13.42.
Variant type: single nucleotide variant.
Coding change: c.2395C>T on transcript NM_001195605.2 (MANE Select); coding-DNA position 2395, C replaced by T.
Protein change: p.Gln799Ter; replaces glutamine 799 with a stop codon.
Molecular consequence: nonsense.
Genome position (GRCh38, 1-based): chr19:55,616,013, C>T. VCF-style: chr19-55616013-C-T. GRCh37 (hg19) VCF-style: chr19-56127379-C-T.
Other names: short protein forms Q799*.
Identifiers: ClinVar variation 4282475 (VCV004282475.1).

ClinVar aggregate classification (germline): Uncertain significance (1 of 4 stars; one submission).

Submission:

GeneDx
Classification: Uncertain significance. Last evaluated: 2025-01-27. Review status: criteria provided, single submitter. Criteria: GeneDx Variant Classification Process June 2021. Collection method: clinical testing. Allele origin: germline. Affected: yes.
Comment: Nonsense variant predicted to result in protein truncation as the last 261 amino acids are lost with an unclear effect on protein function; Not observed at significant frequency in large population cohorts (gnomAD); Has not been previously published as pathogenic or benign to our knowledge; Variants in candidate genes are classified as variants of uncertain significance in accordance with ACMG guidelines (PMID: 25741868)